The following is an entry in ClinVar:

GRCh38/hg38 1q43-44(chr1:237818970-248924793)x1

Genes: MAP1LC3C (microtubule associated protein 1 light chain 3 gamma; minus strand), MIR3123 (microRNA 3123; plus strand), MIR3124 (microRNA 3124; plus strand), LYPD8 (LY6/PLAUR domain containing 8; minus strand), ADSS2 (adenylosuccinate synthase 2; minus strand) and 279 more. Cytogenetic location: 1q43-44.
Variant type: copy number loss.
Change: copy number 1 (one copy instead of two) of chr1:237,818,970-248,924,793 (11.11 Mb, GRCh38 coordinates, 1-based), cytogenetic band 1q43-44.
Identifiers: ClinVar variation 4755339 (VCV004755339.1).

ClinVar aggregate classification (germline): Pathogenic (1 of 4 stars; one submission).

Submission:

Clinical Genomics Laboratory, Laboratory for Precision Diagnostics, University of Washington
Classification: Pathogenic. Last evaluated: 2021-05-28. Review status: criteria provided, single submitter. Criteria: ACMG/ClinGen CNV Guidelines, 2019. Collection method: clinical testing. Allele origin: unknown. Affected: yes. Observed: 1 variant allele.
Comment: A pathogenic terminal deletion of 1q with a breakpoint in 1q43 was detected that encompasses the FH gene and the critical region for the 1q43q44 deletion syndrome. Heterozygous loss-of-function variants in FH, including whole gene deletions, cause FH tumor predisposition syndrome, also called hereditary leiomyomatosis and renal cell cancer (HLRCC).

Literature cited by the submitters: PubMed 21800092; PubMed 32827175; PubMed 22678713; PubMed 29573576.